The following is an entry in ClinVar:

ClinVar aggregate classification (germline): Uncertain significance (1 of 4 stars; one submission).

Submission:

Ambry Genetics
Classification: Uncertain significance. Last evaluated: 2026-07-27. Review status: criteria provided, single submitter. Criteria: Ambry Variant Classification Scheme 2023. Collection method: clinical testing. Allele origin: germline.
Comment: The p.P712R variant (also known as c.2135C>G), located in coding exon 8 of the RNF43 gene, results from a C to G substitution at nucleotide position 2135. The proline at codon 712 is replaced by arginine, an amino acid with dissimilar properties. This amino acid position is conserved. In addition, this alteration is predicted to be tolerated by in silico analysis. Based on the available evidence, the clinical significance of this variant remains unclear.

NM_017763.6(RNF43):c.2135C>G (p.Pro712Arg)

Gene: RNF43 (ring finger protein 43; minus strand). Cytogenetic location: 17q22.
Variant type: single nucleotide variant.
Coding change: c.2135C>G on transcript NM_017763.6 (MANE Select); coding-DNA position 2135, C replaced by G.
Protein change: p.Pro712Arg; replaces proline 712 with arginine.
Molecular consequence: missense variant.
Genome position (GRCh38, 1-based): chr17:58,357,641, G>C on the plus strand (C>G on the coding strand, the complement: RNF43 is on the minus strand). VCF-style: chr17-58357641-G-C. GRCh37 (hg19) VCF-style: chr17-56435002-G-C.
Other names: c.2135C>G, p.Pro712Arg (NM_001305544.3, NM_001438820.1, NM_001438821.1 and 1 more transcripts); c.1754C>G, p.Pro585Arg (NM_001305545.2, NM_001437987.1); short protein forms P585R, P712R.
Identifiers: ClinVar variation 5028340 (VCV005028340.1).